The following is an entry in ClinVar:

ClinVar aggregate classification (germline): Likely benign. Review status: criteria provided, single submitter (1 of 4 stars). 2 submissions from 2 submitters: Likely benign (1). 1 of the submissions does not count toward it. Last evaluated 2023-07-10.

Conditions:
Multiple acyl-CoA dehydrogenase deficiency (MADD). Also called: Glutaric Acidemia type 2; Glutaric aciduria, type 2; Glutaric acidemia type II; GA 2; ETHYLMALONIC-ADIPICACIDURIA; GA II. Identifiers: Orphanet 26791, MedGen C0268596, MONDO:0009282, OMIM 231680.
ETFDH-related disorder. Also called: ETFDH-related condition.

Allele frequency attached by ClinVar (database versions not stated): TOPMed below 0.00001; gnomAD 0.00001.

Submissions (2):

Labcorp Genetics (formerly Invitae), Labcorp
Classification: Likely benign for Multiple acyl-CoA dehydrogenase deficiency. Last evaluated: 2023-07-10. Review status: criteria provided, single submitter. Criteria: Invitae Variant Classification Sherloc (09022015). Collection method: clinical testing. Allele origin: germline.

PreventionGenetics, part of Exact Sciences
Classification: Likely benign for ETFDH-related condition. Last evaluated: 2023-02-15. Review status: no assertion criteria provided. Collection method: clinical testing. Allele origin: germline. Not counted in ClinVar's aggregate classification.
Comment: This variant is classified as likely benign based on ACMG/AMP sequence variant interpretation guidelines (Richards et al. 2015 PMID: 25741868, with internal and published modifications).

NM_004453.4(ETFDH):c.777G>A (p.Lys259=)

Gene: ETFDH (electron transfer flavoprotein dehydrogenase; plus strand). Cytogenetic location: 4q32.1.
Variant type: single nucleotide variant.
Coding change: c.777G>A on transcript NM_004453.4 (MANE Select); coding-DNA position 777, G replaced by A.
Protein change: p.Lys259=; no amino-acid change (lysine 259 retained).
Molecular consequence: synonymous variant.
Genome position (GRCh38, 1-based): chr4:158,695,589, G>A. VCF-style: chr4-158695589-G-A. GRCh37 (hg19) VCF-style: chr4-159616741-G-A.
Other names: c.636G>A, p.Lys212= (NM_001281737.2); c.594G>A, p.Lys198= (NM_001281738.1); c.777G>A (NM_004453.3).
Identifiers: ClinVar variation 1641237 (VCV001641237.10), dbSNP rs1365101415, ClinGen allele CA442138116.